The following is an entry in ClinVar:

NM_012108.4(STAP1):c.50A>G (p.Glu17Gly)

Gene: STAP1 (signal transducing adaptor family member 1; plus strand). Cytogenetic location: 4q13.2.
Variant type: single nucleotide variant.
Coding change: c.50A>G on transcript NM_012108.4 (MANE Select); coding-DNA position 50, A replaced by G.
Protein change: p.Glu17Gly; replaces glutamic acid 17 with glycine.
Molecular consequence: missense variant.
Genome position (GRCh38, 1-based): chr4:67,558,859, A>G. VCF-style: chr4-67558859-A-G. GRCh37 (hg19) VCF-style: chr4-68424577-A-G.
Other names: c.50A>G, p.Glu17Gly (NM_001317769.2); short protein forms E17G.
Identifiers: ClinVar variation 1745332 (VCV001745332.2), dbSNP rs1465175008, ClinGen allele CA357044401.
Genomic context (GRCh38, chr4:67,558,859, plus strand): 5'-AAGAGAGGGGTATGATGGCTAAGAAGCCCCCAAAACCAGCCCCTCGCAGGATCTTCCAGG[A>G]AAGGTTAAAGATTACTGCTCTACCTTTGTACTTTGAAGGTTTTTTATTAATCAAGCGGTC-3'
Protein context (NP_036240.1, residues 7-27): PKPAPRRIFQ[Glu17Gly]RLKITALPLY

ClinVar aggregate classification (germline): Uncertain significance (1 of 4 stars; one submission).

Submission:

Ambry Genetics
Classification: Uncertain significance. Last evaluated: 2022-02-02. Review status: criteria provided, single submitter. Criteria: Ambry Variant Classification Scheme 2023. Collection method: clinical testing. Allele origin: germline.
Comment: The p.E17G variant (also known as c.50A>G), located in coding exon 1 of the STAP1 gene, results from an A to G substitution at nucleotide position 50. The glutamic acid at codon 17 is replaced by glycine, an amino acid with similar properties. This amino acid position is conserved. In addition, this alteration is predicted to be tolerated by in silico analysis. Since supporting evidence is limited at this time, the clinical significance of this alteration remains unclear.